The following is an entry in ClinVar:

ClinVar aggregate classification (germline): Likely benign (1 of 4 stars; one submission).

Submission:

CeGaT Center for Human Genetics Tuebingen
Classification: Likely benign. Last evaluated: 2026-07-01. Review status: criteria provided, single submitter. Criteria: CeGaT Center For Human Genetics Tuebingen Variant Classification Criteria Version 2. Collection method: clinical testing. Allele origin: germline. Affected: yes. Observed: 2 variant alleles.
Comment: PLIN4: PM2:Supporting, BP4, BP7

NM_001367868.2(PLIN4):c.840T>C (p.Asn280=)

Gene: PLIN4 (perilipin 4; minus strand). Cytogenetic location: 19p13.3.
Variant type: single nucleotide variant.
Coding change: c.840T>C on transcript NM_001367868.2 (MANE Select); coding-DNA position 840, T replaced by C.
Protein change: p.Asn280=; no amino-acid change (asparagine 280 retained).
Molecular consequence: synonymous variant.
Genome position (GRCh38, 1-based): chr19:4,513,120, A>G on the plus strand (T>C on the coding strand, the complement: PLIN4 is on the minus strand). VCF-style: chr19-4513120-A-G. GRCh37 (hg19) VCF-style: chr19-4513132-A-G.
Other names: c.843T>C, p.Asn281= (NM_001393889.1, NM_001393888.1); c.840T>C, p.Asn280= (NM_001393890.1, NM_001393891.1).
Identifiers: ClinVar variation 4083764 (VCV004083764.8).
Genomic context (GRCh38, chr19:4,513,120, plus strand): 5'-GGTACCTGTTAGGACAGTCTTACTGGTGTCCACGCCGGTCTGGATGGTTCCTTTGGCCAC[A>G]TTCATGGCACCAGTCACCCCACTACAGACGGTGTCCTTGGTACCTGTTAGGACAGTCTTA-3'
Protein context (NP_001354797.1, residues 270-290): TVCSGVTGAM[Asn280=]VAKGTIQTGV